The following is an entry in ClinVar:

ClinVar aggregate classification (germline): Pathogenic (1 of 4 stars; one submission).

Conditions:
Cohen syndrome (COH1). Also called: Cutis verticis gyrata, retinitis pigmentosa, and sensorineural deafness; PEPPER SYNDROME. Identifiers: Orphanet 193, MedGen C0265223, MONDO:0008999, OMIM 216550.

Submission:

Labcorp Genetics (formerly Invitae), Labcorp
Classification: Pathogenic for Cohen syndrome. Last evaluated: 2025-04-03. Review status: criteria provided, single submitter. Criteria: Invitae Variant Classification Sherloc (09022015). Collection method: clinical testing. Allele origin: germline.
Comment: This sequence change creates a premature translational stop signal (p.Val2148Thrfs*20) in the VPS13B gene. It is expected to result in an absent or disrupted protein product. Loss-of-function variants in VPS13B are known to be pathogenic (PMID: 15141358, 16648375, 20461111). This variant is not present in population databases (gnomAD no frequency). This variant has not been reported in the literature in individuals affected with VPS13B-related conditions. For these reasons, this variant has been classified as Pathogenic.

Literature cited by the submitters: PubMed 15141358; PubMed 16648375; PubMed 20461111.

NM_152564.5(VPS13B):c.6367_6368del (p.Val2123fs)

Gene: VPS13B (vacuolar protein sorting 13 homolog B; plus strand). Cytogenetic location: 8q22.2.
Variant type: Deletion.
Coding change: c.6367_6368del on transcript NM_152564.5 (MANE Select); coding-DNA positions 6367 to 6368, 2 bases deleted (GT; older notation c.6367_6368delGT).
Protein change: p.Val2123fs; shifts the reading frame from valine 2123.
Molecular consequence: frameshift variant.
Genome position (GRCh38, 1-based): chr8:99,699,845-99,699,846, GT deleted; deleting any 2 consecutive bases within chr8:99,699,844-99,699,846 gives the same sequence; the c. name uses the placement nearest the transcript's 3' end. VCF-style (leftmost placement, unchanged base first): chr8-99699843-CTG-C. GRCh37 (hg19) VCF-style: chr8-100712071-CTG-C.
Other names: c.6442_6443del, p.Val2148fs (NM_017890.5); short protein forms V2148fs, V2123fs.
Identifiers: ClinVar variation 4716716 (VCV004716716.1).
Genomic context (GRCh38, chr8:99,699,843, plus strand): 5'-CTGTTTCCTGCTTTCAAAAAATTTCTGTTCAAACTACTCAGATTGTGATCTCCATGGAAA[CTG>C]TACCCCATACCAGCAAACCATGCCTGTTAGCATCTCTCTCAAACCTCAATGGAAGCCTTA-3'